The following is an entry in ClinVar:

ClinVar aggregate classification (germline): Uncertain significance (1 of 4 stars; one submission).

Submission:

Labcorp Genetics (formerly Invitae), Labcorp
Classification: Uncertain significance. Last evaluated: 2022-11-22. Review status: criteria provided, single submitter. Criteria: Invitae Variant Classification Sherloc (09022015). Collection method: clinical testing. Allele origin: germline.
Comment: In summary, the available evidence is currently insufficient to determine the role of this variant in disease. Therefore, it has been classified as a Variant of Uncertain Significance. Algorithms developed to predict the effect of sequence changes on RNA splicing suggest that this variant may disrupt the consensus splice site. This variant has not been reported in the literature in individuals affected with IMPDH1-related conditions. This variant is not present in population databases (gnomAD no frequency). This sequence change falls in intron 12 of the IMPDH1 gene. It does not directly change the encoded amino acid sequence of the IMPDH1 protein.

NM_000883.4(IMPDH1):c.1261+20C>G

Gene: IMPDH1 (inosine monophosphate dehydrogenase 1; minus strand). Cytogenetic location: 7q32.1.
Variant type: single nucleotide variant.
Coding change: c.1261+20C>G on transcript NM_000883.4 (MANE Select); 20 bases into the intron after coding-DNA position 1261, C replaced by G.
Molecular consequence: intron variant.
Genome position (GRCh38, 1-based): chr7:128,396,580, G>C on the plus strand (C>G on the coding strand, the complement: IMPDH1 is on the minus strand). VCF-style: chr7-128396580-G-C. GRCh37 (hg19) VCF-style: chr7-128036634-G-C.
Other names: c.1054+20C>G (NM_001304521.2); c.1153+20C>G (NM_183243.3); c.1231+20C>G (NM_001102605.2); c.1162+20C>G (NM_001142576.2); c.931+20C>G (NM_001142575.2); c.991+20C>G (NM_001142574.2); c.1006+20C>G (NM_001142573.2).
Identifiers: ClinVar variation 2811420 (VCV002811420.3), dbSNP rs1797930660, ClinGen allele CA2739278928.